The following is an entry in ClinVar:

NM_001012339.3(DNAJC21):c.895+1G>A

Gene: DNAJC21 (DnaJ heat shock protein family (Hsp40) member C21; plus strand). Cytogenetic location: 5p13.2.
Variant type: single nucleotide variant.
Coding change: c.895+1G>A on transcript NM_001012339.3 (MANE Select); the canonical splice donor site of the intron after coding-DNA position 895, G replaced by A.
Molecular consequence: splice donor variant.
Genome position (GRCh38, 1-based): chr5:34,939,010, G>A. VCF-style: chr5-34939010-G-A. GRCh37 (hg19) VCF-style: chr5-34939115-G-A.
Other names: c.895+1G>A (NM_001348420.2, NM_194283.4).
Identifiers: ClinVar variation 2631314 (VCV002631314.5), dbSNP rs1764893772, ClinGen allele CA359416407.

ClinVar aggregate classification (germline): Likely pathogenic. Review status: criteria provided, multiple submitters, no conflicts (2 of 4 stars). 2 submissions from 2 submitters: Likely pathogenic (2). Last evaluated 2026-02-02.

Conditions:
DNAJC21-related disorder. Also called: DNAJC21-related condition.

Allele frequency attached by ClinVar (database versions not stated): gnomAD exomes below 0.00001; gnomAD 0.00001; TOPMed 0.00001.
gnomAD v4.1: 2 of 1,553,036 alleles (0.00013%); highest among the groups gnomAD compares: Non-Finnish European, 0.00017%; no homozygotes.

Submissions (2):

PreventionGenetics, part of Exact Sciences
Classification: Likely pathogenic for DNAJC21-related condition. Last evaluated: 2026-02-02. Review status: criteria provided, single submitter. Criteria: ACMG Guidelines, 2015. Collection method: clinical testing. Allele origin: germline.
Comment: The DNAJC21 c.895+1G>A variant is predicted to disrupt the GT donor site and interfere with normal splicing. To our knowledge, this variant has not been reported in the literature or in a large population database (gnomAD), indicating this variant is rare. Variants that disrupt the consensus splice donor site in DNAJC21 are expected to be pathogenic. This variant is interpreted as likely pathogenic.

Labcorp Genetics (formerly Invitae), Labcorp
Classification: Likely pathogenic. Last evaluated: 2023-12-23. Review status: criteria provided, single submitter. Criteria: Invitae Variant Classification Sherloc (09022015). Collection method: clinical testing. Allele origin: germline.
Comment: This sequence change affects a donor splice site in intron 6 of the DNAJC21 gene. It is expected to disrupt RNA splicing. Variants that disrupt the donor or acceptor splice site typically lead to a loss of protein function (PMID: 16199547), and loss-of-function variants in DNAJC21 are known to be pathogenic (PMID: 27346687, 28062395). This variant is not present in population databases (gnomAD no frequency). This variant has not been reported in the literature in individuals affected with DNAJC21-related conditions. ClinVar contains an entry for this variant (Variation ID: 2631314). Algorithms developed to predict the effect of sequence changes on RNA splicing suggest that this variant may disrupt the consensus splice site. In summary, the currently available evidence indicates that the variant is pathogenic, but additional data are needed to prove that conclusively. Therefore, this variant has been classified as Likely Pathogenic.

Literature cited by the submitters: PubMed 16199547 (cited by Labcorp Genetics (formerly Invitae), Labcorp); PubMed 27346687 (cited by Labcorp Genetics (formerly Invitae), Labcorp); PubMed 28062395 (cited by Labcorp Genetics (formerly Invitae), Labcorp).